The following is an entry in ClinVar:

NM_001134363.3(RBM20):c.109_112del (p.Gly37fs)

Gene: RBM20 (RNA binding motif protein 20; plus strand). Cytogenetic location: 10q25.2.
Variant type: Deletion.
Coding change: c.109_112del on transcript NM_001134363.3 (MANE Select); coding-DNA positions 109 to 112, 4 bases deleted (GGCC; older notation c.109_112delGGCC).
Protein change: p.Gly37fs; shifts the reading frame from glycine 37.
Molecular consequence: frameshift variant.
Genome position (GRCh38, 1-based): chr10:110,644,563-110,644,566, GGCC deleted; deleting any 4 consecutive bases within chr10:110,644,561-110,644,566 gives the same sequence; the c. name uses the placement nearest the transcript's 3' end. VCF-style (leftmost placement, unchanged base first): chr10-110644560-TCCGG-T. GRCh37 (hg19) VCF-style: chr10-112404318-TCCGG-T.
Other names: short protein forms G37fs.
Identifiers: ClinVar variation 1675230 (VCV001675230.3), dbSNP rs2134792820, ClinGen allele CA2573145537.

ClinVar aggregate classification (germline): Conflicting classifications of pathogenicity. Review status: criteria provided, conflicting classifications (1 of 4 stars). 2 submissions from 2 submitters: Pathogenic (1); Uncertain significance (1). Last evaluated 2025-12-08.

Conditions:
Dilated cardiomyopathy 1DD (CMD1DD). Identifiers: Orphanet 154, MedGen C2750995, MONDO:0013168, OMIM 613172.

Submissions (2):

Labcorp Genetics (formerly Invitae), Labcorp
Classification: Pathogenic for Dilated cardiomyopathy 1DD. Last evaluated: 2025-12-08. Review status: criteria provided, single submitter. Criteria: Invitae Variant Classification Sherloc (09022015). Collection method: clinical testing. Allele origin: germline.
Comment: This sequence change creates a premature translational stop signal (p.Gly37Argfs*66) in the RBM20 gene. It is expected to result in an absent or disrupted protein product. Loss-of-function variants in RBM20 are known to be pathogenic (PMID: 20590677, 22004663, 38288598, 38510713, 40339755). This variant is not present in population databases (gnomAD no frequency). This variant has not been reported in the literature in individuals affected with RBM20-related conditions. ClinVar contains an entry for this variant (Variation ID: 1675230). For these reasons, this variant has been classified as Pathogenic.

GeneDx
Classification: Uncertain significance. Last evaluated: 2022-03-11. Review status: criteria provided, single submitter. Criteria: GeneDx Variant Classification Process June 2021. Collection method: clinical testing. Allele origin: germline. Affected: yes.
Comment: Has not been previously published as pathogenic or benign to our knowledge; Not observed at significant frequency in large population cohorts (gnomAD); Frameshift variant predicted to result in protein truncation or nonsense mediated decay in a gene for which loss-of-function is not a known mechanism of disease

Literature cited by the submitters: PubMed 20590677 (cited by Labcorp Genetics (formerly Invitae), Labcorp); PubMed 22004663 (cited by Labcorp Genetics (formerly Invitae), Labcorp); PubMed 38288598 (cited by Labcorp Genetics (formerly Invitae), Labcorp); PubMed 38510713 (cited by Labcorp Genetics (formerly Invitae), Labcorp); PubMed 40339755 (cited by Labcorp Genetics (formerly Invitae), Labcorp).